The following is an entry in ClinVar:

ClinVar aggregate classification (germline): Uncertain significance. Review status: criteria provided, multiple submitters, no conflicts (2 of 4 stars). 2 submissions from 2 submitters: Uncertain significance (2). Last evaluated 2025-12-30.

Conditions:
POLD1-related polyposis and colorectal cancer syndrome (CRCS10). Also called: Colorectal cancer 10; COLORECTAL CANCER, SUSCEPTIBILITY TO, ON CHROMOSOME 19q; Colorectal cancer, susceptibility to, 10. Identifiers: Orphanet 220460, MedGen C2675481, MONDO:0012953, OMIM 612591.
Hereditary cancer-predisposing syndrome. Also called: Tumor predisposition; Neoplastic Syndromes, Hereditary; Hereditary Cancer Syndrome; Hereditary neoplastic syndrome. Identifiers: Orphanet 140162, MedGen C0027672, MeSH D009386, MONDO:0015356.

Allele frequency attached by ClinVar (database versions not stated): gnomAD exomes 0.00001; ExAC 0.00005.

Submissions (2):

Labcorp Genetics (formerly Invitae), Labcorp
Classification: Uncertain significance for POLD1-related polyposis and colorectal cancer syndrome. Last evaluated: 2025-12-30. Review status: criteria provided, single submitter. Criteria: Invitae Variant Classification Sherloc (09022015). Collection method: clinical testing. Allele origin: germline.
Comment: This sequence change replaces alanine, which is neutral and non-polar, with threonine, which is neutral and polar, at codon 934 of the POLD1 protein (p.Ala934Thr). The frequency data for this variant in the population databases is considered unreliable, as metrics indicate poor data quality at this position in the gnomAD database. This variant has not been reported in the literature in individuals affected with POLD1-related conditions. ClinVar contains an entry for this variant (Variation ID: 579980). Invitae Evidence Modeling of protein sequence and biophysical properties (such as structural, functional, and spatial information, amino acid conservation, physicochemical variation, residue mobility, and thermodynamic stability) indicates that this missense variant is expected to disrupt POLD1 protein function with a positive predictive value of 80%. In summary, the available evidence is currently insufficient to determine the role of this variant in disease. Therefore, it has been classified as a Variant of Uncertain Significance.

Ambry Genetics
Classification: Uncertain significance for Hereditary cancer-predisposing syndrome. Last evaluated: 2024-08-17. Review status: criteria provided, single submitter. Criteria: Ambry Variant Classification Scheme 2023. Collection method: clinical testing. Allele origin: germline.
Comment: The p.A934T variant (also known as c.2800G>A), located in coding exon 21 of the POLD1 gene, results from a G to A substitution at nucleotide position 2800. The alanine at codon 934 is replaced by threonine, an amino acid with similar properties. This amino acid position is conserved. In addition, this alteration is predicted to be tolerated by in silico analysis. Since supporting evidence is limited at this time, the clinical significance of this alteration remains unclear.

NM_002691.4(POLD1):c.2800G>A (p.Ala934Thr)

Gene: POLD1 (DNA polymerase delta 1, catalytic subunit; plus strand). Cytogenetic location: 19q13.33.
Variant type: single nucleotide variant.
Coding change: c.2800G>A on transcript NM_002691.4 (MANE Select); coding-DNA position 2800, G replaced by A.
Protein change: p.Ala934Thr; replaces alanine 934 with threonine.
Molecular consequence: missense variant.
Genome position (GRCh38, 1-based): chr19:50,415,806, G>A. VCF-style: chr19-50415806-G-A. GRCh37 (hg19) VCF-style: chr19-50919063-G-A.
Other names: c.2800G>A, p.Ala934Thr (LRG_785t1, NM_001256849.1); c.2878G>A, p.Ala960Thr (LRG_785t2, NM_001308632.1); short protein forms A934T, A960T.
Identifiers: ClinVar variation 579980 (VCV000579980.15), dbSNP rs772763056, ClinGen allele CA9596660.
Genomic context (GRCh38, chr19:50,415,806, plus strand): 5'-AGTGCGCCCAGCCTGGGCGACCGCGTCCCCTACGTGATCATCAGTGCCGCCAAGGGTGTG[G>A]CCGCCTACATGAAGTCGGAGGTCAGGCCCACCTGGCTGCCTGCTCCCGCCCAGCCCCCTC-3'
Protein context (NP_002682.2, residues 924-944): YVIISAAKGV[Ala934Thr]AYMKSEDPLF